The following is an entry in ClinVar:

ClinVar aggregate classification (germline): Uncertain significance (1 of 4 stars; one submission).

Submission:

Labcorp Genetics (formerly Invitae), Labcorp
Classification: Uncertain significance. Last evaluated: 2024-10-17. Review status: criteria provided, single submitter. Criteria: Invitae Variant Classification Sherloc (09022015). Collection method: clinical testing. Allele origin: germline.
Comment: This sequence change replaces valine, which is neutral and non-polar, with alanine, which is neutral and non-polar, at codon 1386 of the PLXNA2 protein (p.Val1386Ala). This variant is not present in population databases (gnomAD no frequency). This variant has not been reported in the literature in individuals affected with PLXNA2-related conditions. ClinVar contains an entry for this variant (Variation ID: 1717698). Invitae Evidence Modeling of protein sequence and biophysical properties (such as structural, functional, and spatial information, amino acid conservation, physicochemical variation, residue mobility, and thermodynamic stability) indicates that this missense variant is expected to disrupt PLXNA2 protein function with a positive predictive value of 80%. In summary, the available evidence is currently insufficient to determine the role of this variant in disease. Therefore, it has been classified as a Variant of Uncertain Significance.

NM_025179.4(PLXNA2):c.4157T>C (p.Val1386Ala)

Gene: PLXNA2 (plexin A2; minus strand). Cytogenetic location: 1q32.2.
Variant type: single nucleotide variant.
Coding change: c.4157T>C on transcript NM_025179.4 (MANE Select); coding-DNA position 4157, T replaced by C.
Protein change: p.Val1386Ala; replaces valine 1386 with alanine.
Molecular consequence: missense variant.
Genome position (GRCh38, 1-based): chr1:208,042,227, A>G on the plus strand (T>C on the coding strand, the complement: PLXNA2 is on the minus strand). VCF-style: chr1-208042227-A-G. GRCh37 (hg19) VCF-style: chr1-208215572-A-G.
Other names: short protein forms V1386A.
Identifiers: ClinVar variation 1717698 (VCV001717698.5), dbSNP rs2526461269, ClinGen allele CA344562656.